The following is an entry in ClinVar:

ClinVar aggregate classification (germline): Uncertain significance (1 of 4 stars; one submission).

Conditions:
Menkes kinky-hair syndrome (MNK). Also called: Copper transport disease; Menkes Disease; Classic Menkes Disease. Identifiers: Orphanet 565, MedGen C0022716, MONDO:0010651, OMIM 309400.
Cutis laxa, X-linked (OHS). Also called: EDS IX; Occipital horn syndrome. Identifiers: Orphanet 198, MedGen C0268353, MONDO:0010572, OMIM 304150.
X-linked distal spinal muscular atrophy type 3. Also called: NEURONOPATHY, DISTAL HEREDITARY MOTOR, X-LINKED; NEUROPATHY, DISTAL HEREDITARY MOTOR, X-LINKED; ATP7A-Related Distal Motor Neuropathy; SPINAL MUSCULAR ATROPHY, DISTAL, X-LINKED RECESSIVE. Identifiers: Orphanet 139557, MedGen C1845359, MONDO:0010338, OMIM 300489.

Submission:

Labcorp Genetics (formerly Invitae), Labcorp
Classification: Uncertain significance for X-linked distal spinal muscular atrophy type 3; Cutis laxa, X-linked; Menkes kinky-hair syndrome. Last evaluated: 2025-01-30. Review status: criteria provided, single submitter. Criteria: Invitae Variant Classification Sherloc (09022015). Collection method: clinical testing. Allele origin: germline.
Comment: This sequence change falls in intron 19 of the ATP7A gene. It does not directly change the encoded amino acid sequence of the ATP7A protein. This variant is not present in population databases (gnomAD no frequency). This variant has not been reported in the literature in individuals affected with ATP7A-related conditions. Algorithms developed to predict the effect of sequence changes on RNA splicing suggest that this variant may create or strengthen a splice site. In summary, the available evidence is currently insufficient to determine the role of this variant in disease. Therefore, it has been classified as a Variant of Uncertain Significance.

NM_000052.7(ATP7A):c.3801+10del

Gene: ATP7A (ATPase copper transporting alpha; plus strand). Cytogenetic location: Xq21.1.
Variant type: Deletion.
Coding change: c.3801+10del on transcript NM_000052.7 (MANE Select); 10 bases into the intron after coding-DNA position 3801, one base deleted (A; older notation c.3801+10delA).
Molecular consequence: intron variant.
Genome position (GRCh38, 1-based): chrX:78,040,743, A deleted. VCF-style (leftmost placement, unchanged base first): chrX-78040742-TA-T. GRCh37 (hg19) VCF-style: chrX-77296240-TA-T.
Other names: c.3567+10del (NM_001282224.2).
Identifiers: ClinVar variation 3762732 (VCV003762732.2).
Genomic context (GRCh38, chrX:78,040,742, plus strand): 5'-AGTTCTGATGACTGGAGACAACAGTAAAACAGCTAGATCTATTGCTTCTCAGGTAATTGA[TA>T]GGGGTATGTGATAACTTCTAATTATTGATATACATTTTATATCTTGCCTTCAAATGCTAA-3'